The following is an entry in ClinVar:

ClinVar aggregate classification (germline): Uncertain significance (1 of 4 stars; one submission).

Submission:

Labcorp Genetics (formerly Invitae), Labcorp
Classification: Uncertain significance. Last evaluated: 2022-03-14. Review status: criteria provided, single submitter. Criteria: Invitae Variant Classification Sherloc (09022015). Collection method: clinical testing. Allele origin: germline.
Comment: This sequence change replaces proline, which is neutral and non-polar, with arginine, which is basic and polar, at codon 42 of the TNFSF11 protein (p.Pro42Arg). This variant is not present in population databases (gnomAD no frequency). This variant has not been reported in the literature in individuals affected with TNFSF11-related conditions. Algorithms developed to predict the effect of missense changes on protein structure and function are either unavailable or do not agree on the potential impact of this missense change (SIFT: "Deleterious"; PolyPhen-2: "Benign"; Align-GVGD: "Class C0"). In summary, the available evidence is currently insufficient to determine the role of this variant in disease. Therefore, it has been classified as a Variant of Uncertain Significance.

NM_003701.4(TNFSF11):c.125C>G (p.Pro42Arg)

Genes: TNFSF11 (TNF superfamily member 11; plus strand), LOC130009662 (ATAC-STARR-seq lymphoblastoid silent region 5301; plus strand). Cytogenetic location: 13q14.11.
Variant type: single nucleotide variant.
Coding change: c.125C>G on transcript NM_003701.4 (MANE Select); coding-DNA position 125, C replaced by G.
Protein change: p.Pro42Arg; replaces proline 42 with arginine.
Molecular consequence: missense variant. On other transcripts: intron variant (1).
Genome position (GRCh38, 1-based): chr13:42,574,428, C>G. VCF-style: chr13-42574428-C-G. GRCh37 (hg19) VCF-style: chr13-43148564-C-G.
Other names: c.-1+2690C>G (NM_033012.4); short protein forms P42R.
Identifiers: ClinVar variation 1952011 (VCV001952011.2), dbSNP rs752837461, ClinGen allele CA388215097.